The following is an entry in ClinVar:

ClinVar aggregate classification (germline): Likely benign. Review status: criteria provided, multiple submitters, no conflicts (2 of 4 stars). 3 submissions from 3 submitters: Likely benign (3). Last evaluated 2025-03-20.

Conditions:
Juvenile polyposis syndrome (JPS). Identifiers: Orphanet 2929, MedGen C0345893, MONDO:0017380, OMIM 174900.
Hereditary cancer-predisposing syndrome. Also called: Neoplastic Syndromes, Hereditary; Hereditary neoplastic syndrome; Tumor predisposition; Hereditary Cancer Syndrome. Identifiers: Orphanet 140162, MedGen C0027672, MeSH D009386, MONDO:0015356.
Juvenile polyposis/hereditary hemorrhagic telangiectasia syndrome (JPHT). Also called: POLYPOSIS, GENERALIZED JUVENILE, WITH PULMONARY ARTERIOVENOUS MALFORMATION; TELANGIECTASIA, HEREDITARY HEMORRHAGIC, WITH JUVENILE POLYPOSIS COLI; Juvenile Polyposis Syndrome / Hereditary Hemorrhagic Telangiectasia (JPS/HHT); JP/HHT SYNDROME; JUVENILE POLYPOSIS WITH HEREDITARY HEMORRHAGIC TELANGIECTASIA. Identifiers: Orphanet 2929, MedGen C1832942, MONDO:0008278, OMIM 175050.

Allele frequency attached by ClinVar (database versions not stated): gnomAD exomes below 0.00001; gnomAD 0.00001.
gnomAD v4.1: 2 of 1,610,690 alleles (0.00012%); highest among the groups gnomAD compares: South Asian, 0.0011%; no homozygotes.

Submissions (3):

Myriad Genetics, Inc.
Classification: Likely benign for Juvenile polyposis/hereditary hemorrhagic telangiectasia syndrome. Last evaluated: 2025-03-20. Review status: criteria provided, single submitter. Criteria: Myriad Autosomal Dominant, Autosomal Recessive and X-Linked Classification Criteria (2023). Collection method: clinical testing. Allele origin: unknown.
Comment: This variant is considered likely benign. This variant is intronic and is not expected to impact mRNA splicing.

Color Diagnostics, LLC DBA Color Health
Classification: Likely benign for Hereditary cancer-predisposing syndrome. Last evaluated: 2021-03-04. Review status: criteria provided, single submitter. Criteria: ACMG Guidelines, 2015. Collection method: clinical testing. Allele origin: germline.

Labcorp Genetics (formerly Invitae), Labcorp
Classification: Likely benign for Juvenile polyposis syndrome. Last evaluated: 2019-08-14. Review status: criteria provided, single submitter. Criteria: Invitae Variant Classification Sherloc (09022015). Collection method: clinical testing. Allele origin: germline.

NM_005359.6(SMAD4):c.788-10T>C

Gene: SMAD4 (SMAD family member 4; plus strand). Cytogenetic location: 18q21.2.
Variant type: single nucleotide variant.
Coding change: c.788-10T>C on transcript NM_005359.6 (MANE Select); 10 bases into the intron before coding-DNA position 788, T replaced by C.
Molecular consequence: intron variant.
Genome position (GRCh38, 1-based): chr18:51,058,330, T>C. VCF-style: chr18-51058330-T-C. GRCh37 (hg19) VCF-style: chr18-48584700-T-C.
Identifiers: ClinVar variation 926657 (VCV000926657.13), dbSNP rs1291526848, ClinGen allele CA629926586.